The following is an entry in ClinVar:

ClinVar aggregate classification (germline): Uncertain significance. Review status: criteria provided, multiple submitters, no conflicts (2 of 4 stars). 4 submissions from 4 submitters: Uncertain significance (4). Last evaluated 2026-06-20.

Conditions:
Leber congenital amaurosis 6 (LCA6). Identifiers: Orphanet 65, MedGen C1854260, MONDO:0013446, OMIM 613826.
Cone-rod dystrophy 13 (CORD13). Identifiers: Orphanet 1872, MedGen C2750720, MONDO:0011987, OMIM 608194.
RPGRIP1-related disorder. Also called: RPGRIP1-related condition.

Allele frequency attached by ClinVar (database versions not stated): TOPMed 0.00002; ExAC 0.00013; gnomAD 0.00017 and 0.00018; gnomAD exomes 0.00018.

Submissions (4):

PreventionGenetics, part of Exact Sciences
Classification: Uncertain significance for RPGRIP1-related condition. Last evaluated: 2026-06-20. Review status: criteria provided, single submitter. Criteria: ACMG Guidelines, 2015. Collection method: clinical testing. Allele origin: germline.
Comment: The RPGRIP1 c.1991A>G variant is predicted to result in the amino acid substitution p.His664Arg. This variant was reported in a cohort of individuals with Leber congenital amaurosis (supplementary data, Zernant et al. 2005. PubMed ID: 16123401). However, this variant is reported in 0.18% of alleles in individuals of European (Finnish) descent in gnomAD, which may be too frequent to be a primary cause of disease. Although we suspect that this variant may be benign, at this time, the clinical significance of this variant is uncertain due to the absence of conclusive functional and genetic evidence.

Women's Health and Genetics/Laboratory Corporation of America, LabCorp
Classification: Uncertain significance. Last evaluated: 2025-02-17. Review status: criteria provided, single submitter. Criteria: LabCorp Variant Classification Summary - May 2015. Collection method: clinical testing. Allele origin: germline.
Comment: Variant summary: RPGRIP1 c.1991A>G (p.His664Arg) results in a non-conservative amino acid change in the encoded protein sequence. Five of five in-silico tools predict a damaging effect of the variant on protein function. The variant allele was found at a frequency of 0.00018 in 249290 control chromosomes. This frequency is not significantly higher than estimated for a pathogenic variant in RPGRIP1 causing Leber Congenital Amaurosis (0.00018 vs 0.0011), allowing no conclusion about variant significance. To our knowledge, no occurrence of c.1991A>G in individuals affected with Leber Congenital Amaurosis and no experimental evidence demonstrating its impact on protein function have been reported. ClinVar contains an entry for this variant (Variation ID: 1026037). Based on the evidence outlined above, the variant was classified as uncertain significance.

Blueprint Genetics
Classification: Uncertain significance. Last evaluated: 2024-05-06. Review status: criteria provided, single submitter. Criteria: ACMG Guidelines, 2015. Collection method: clinical testing. Allele origin: germline.

Labcorp Genetics (formerly Invitae), Labcorp
Classification: Uncertain significance for Leber congenital amaurosis 6; Cone-rod dystrophy 13. Last evaluated: 2022-01-11. Review status: criteria provided, single submitter. Criteria: Invitae Variant Classification Sherloc (09022015). Collection method: clinical testing. Allele origin: germline.
Comment: This sequence change replaces histidine, which is basic and polar, with arginine, which is basic and polar, at codon 664 of the RPGRIP1 protein (p.His664Arg). This variant is present in population databases (rs767180524, gnomAD 0.2%). This variant has not been reported in the literature in individuals affected with RPGRIP1-related conditions. ClinVar contains an entry for this variant (Variation ID: 1026037). Algorithms developed to predict the effect of missense changes on protein structure and function are either unavailable or do not agree on the potential impact of this missense change (SIFT: "Deleterious"; PolyPhen-2: "Probably Damaging"; Align-GVGD: "Class C0"). In summary, the available evidence is currently insufficient to determine the role of this variant in disease. Therefore, it has been classified as a Variant of Uncertain Significance.

NM_020366.4(RPGRIP1):c.1991A>G (p.His664Arg)

Gene: RPGRIP1 (RPGR interacting protein 1; plus strand). Cytogenetic location: 14q11.2.
Variant type: single nucleotide variant.
Coding change: c.1991A>G on transcript NM_020366.4 (MANE Select); coding-DNA position 1991, A replaced by G.
Protein change: p.His664Arg; replaces histidine 664 with arginine.
Molecular consequence: missense variant. On other transcripts: intron variant (4).
Genome position (GRCh38, 1-based): chr14:21,324,846, A>G. VCF-style: chr14-21324846-A-G. GRCh37 (hg19) VCF-style: chr14-21793005-A-G.
Other names: c.917A>G, p.His306Arg (NM_001377948.1); c.796+121A>G (NM_001377949.1); c.689-2777A>G (NM_001377523.1, NM_001377950.1); c.191-2777A>G (NM_001377951.1); c.1991A>G (NM_020366.3); short protein forms H306R, H664R.
Identifiers: ClinVar variation 1026037 (VCV001026037.9), dbSNP rs767180524, ClinGen allele CA7089135.